The following is an entry in ClinVar:

NM_001378609.3(OTOGL):c.512T>G (p.Leu171Arg)

Gene: OTOGL (otogelin like; plus strand). Cytogenetic location: 12q21.31.
Variant type: single nucleotide variant.
Coding change: c.512T>G on transcript NM_001378609.3 (MANE Select); coding-DNA position 512, T replaced by G.
Protein change: p.Leu171Arg; replaces leucine 171 with arginine.
Molecular consequence: missense variant.
Genome position (GRCh38, 1-based): chr12:80,229,279, T>G. VCF-style: chr12-80229279-T-G. GRCh37 (hg19) VCF-style: chr12-80623059-T-G.
Other names: c.512T>G, p.Leu171Arg (NM_001368062.3, NM_001378610.3, NM_173591.7); short protein forms L171R.
Identifiers: ClinVar variation 1305292 (VCV001305292.2), dbSNP rs775176500, ClinGen allele CA6700201.

ClinVar aggregate classification (germline): Uncertain significance (1 of 4 stars; one submission).

Allele frequency attached by ClinVar (database versions not stated): gnomAD exomes below 0.00001 and 0.00001; TOPMed below 0.00001; ExAC 0.00001; gnomAD 0.00001.
gnomAD v4.1: 3 of 1,597,916 alleles (0.00019%); highest among the groups gnomAD compares: African/African-American, 0.004%; no homozygotes.

Submission:

GeneDx
Classification: Uncertain significance. Last evaluated: 2019-04-24. Review status: criteria provided, single submitter. Criteria: GeneDx Variant Classification Process June 2021. Collection method: clinical testing. Allele origin: germline. Affected: yes.
Comment: Has not been previously published as pathogenic or benign to our knowledge